The following is an entry in ClinVar:

ClinVar aggregate classification (germline): Uncertain significance. Review status: criteria provided, multiple submitters, no conflicts (2 of 4 stars). 3 submissions from 3 submitters: Uncertain significance (3). Last evaluated 2025-08-14.

Conditions:
Autoimmune lymphoproliferative syndrome type 2A (ALPS2A). Also called: AUTOIMMUNE LYMPHOPROLIFERATIVE SYNDROME, TYPE IIA; CASP10-Related Autoimmune Lymphoproliferative Syndrome; Autoimmune lymphoproliferative syndrome type 2. Identifiers: Orphanet 3261, MedGen C1858968, MONDO:0011383, OMIM 603909.

Allele frequency attached by ClinVar (database versions not stated): gnomAD exomes 0.00002 and 0.00003; ExAC 0.00003; gnomAD 0.00004 and 0.00005; TOPMed 0.00005; ESP Exome Variant Server 0.00016.

Submissions (3):

Labcorp Genetics (formerly Invitae), Labcorp
Classification: Uncertain significance for Autoimmune lymphoproliferative syndrome type 2A. Last evaluated: 2025-08-14. Review status: criteria provided, single submitter. Criteria: Invitae Variant Classification Sherloc (09022015). Collection method: clinical testing. Allele origin: germline.
Comment: This sequence change creates a premature translational stop signal (p.Tyr365Thrfs*53) in the CASP10 gene. It is expected to result in an absent or disrupted protein product. However, the current clinical and genetic evidence is not sufficient to establish whether loss-of-function variants in CASP10 cause disease. This variant is present in population databases (rs781003519, gnomAD 0.004%). This variant has not been reported in the literature in individuals affected with CASP10-related conditions. ClinVar contains an entry for this variant (Variation ID: 535756). In summary, the available evidence is currently insufficient to determine the role of this variant in disease. Therefore, it has been classified as a Variant of Uncertain Significance.

Revvity Omics, Revvity
Classification: Uncertain significance for Autoimmune lymphoproliferative syndrome type 2A. Last evaluated: 2022-08-04. Review status: criteria provided, single submitter. Criteria: ACMG Guidelines, 2015. Collection method: clinical testing. Allele origin: germline.

CeGaT Center for Human Genetics Tuebingen
Classification: Uncertain significance. Last evaluated: 2019-09-01. Review status: criteria provided, single submitter. Criteria: CeGaT Center For Human Genetics Tuebingen Variant Classification Criteria Version 2. Collection method: clinical testing. Allele origin: germline. Affected: yes. Observed: 1 variant allele.

NM_032977.4(CASP10):c.1093del (p.Tyr365fs)

Gene: CASP10 (caspase 10; plus strand). Cytogenetic location: 2q33.1.
Variant type: Deletion.
Coding change: c.1093del on transcript NM_032977.4 (MANE Select); coding-DNA position 1093, one base deleted (T; older notation c.1093delT).
Protein change: p.Tyr365fs; shifts the reading frame from tyrosine 365.
Molecular consequence: frameshift variant. On other transcripts: 3 prime UTR variant (1).
Genome position (GRCh38, 1-based): chr2:201,209,240, T deleted. VCF-style (leftmost placement, unchanged base first): chr2-201209239-CT-C. GRCh37 (hg19) VCF-style: chr2-202073962-CT-C.
Other names: c.1093delT (NM_032977.3); c.892del, p.Tyr298fs (NM_001206524.2); c.964del, p.Tyr322fs (NM_001206542.2, NM_001230.5); c.1093del, p.Tyr365fs (NM_032974.5); c.*179del (NM_032976.4); short protein forms Y298fs, Y322fs, Y365fs.
Identifiers: ClinVar variation 535756 (VCV000535756.50), dbSNP rs781003519, ClinGen allele CA2053182.